The following is an entry in ClinVar:

NM_004991.4(MECOM):c.2121G>C (p.Met707Ile)

Gene: MECOM (MDS1 and EVI1 complex locus; minus strand). Cytogenetic location: 3q26.2.
Variant type: single nucleotide variant.
Coding change: c.2121G>C on transcript NM_004991.4 (MANE Select); coding-DNA position 2121, G replaced by C.
Protein change: p.Met707Ile; replaces methionine 707 with isoleucine.
Molecular consequence: missense variant.
Genome position (GRCh38, 1-based): chr3:169,115,751, C>G on the plus strand (G>C on the coding strand, the complement: MECOM is on the minus strand). VCF-style: chr3-169115751-C-G. GRCh37 (hg19) VCF-style: chr3-168833539-C-G.
Other names: c.1557G>C, p.Met519Ile (NM_001205194.2, NM_001366469.2, NM_001366471.2 and 4 more transcripts); c.2121G>C, p.Met707Ile (NM_001366466.2); c.1560G>C, p.Met520Ile (NM_001366467.2, NM_001366468.2, NM_001366470.2 and 1 more transcripts); c.1149G>C, p.Met383Ile (NM_001366473.2); c.585G>C, p.Met195Ile (NM_001366474.2); c.1752G>C, p.Met584Ile (NM_001105077.4); short protein forms M195I, M383I, M519I, M520I, M584I, M707I.
Identifiers: ClinVar variation 5024193 (VCV005024193.1).

ClinVar aggregate classification (germline): Uncertain significance (1 of 4 stars; one submission).

Conditions:
Inborn genetic diseases. Identifiers: MedGen C0950123, MeSH D030342.

Submission:

Ambry Genetics
Classification: Uncertain significance for Inborn genetic diseases. Last evaluated: 2026-08-25. Review status: criteria provided, single submitter. Criteria: Ambry Variant Classification Scheme 2023. Collection method: clinical testing. Allele origin: germline.
Comment: The p.M707I variant (also known as c.2121G>C), located in coding exon 8 of the MECOM gene, results from a G to C substitution at nucleotide position 2121. The methionine at codon 707 is replaced by isoleucine, an amino acid with highly similar properties. This amino acid position is conserved. In addition, this alteration is predicted to be tolerated by in silico analysis. Based on the available evidence, the clinical significance of this variant remains unclear.